The following is an entry in ClinVar:

NM_198578.4(LRRK2):c.7399A>C (p.Lys2467Gln)

Gene: LRRK2 (leucine rich repeat kinase 2; plus strand). Cytogenetic location: 12q12.
Variant type: single nucleotide variant.
Coding change: c.7399A>C on transcript NM_198578.4 (MANE Select); coding-DNA position 7399, A replaced by C.
Protein change: p.Lys2467Gln; replaces lysine 2467 with glutamine.
Molecular consequence: missense variant.
Genome position (GRCh38, 1-based): chr12:40,367,014, A>C. VCF-style: chr12-40367014-A-C. GRCh37 (hg19) VCF-style: chr12-40760816-A-C.
Other names: short protein forms K2467Q.
Identifiers: ClinVar variation 1758687 (VCV001758687.3), dbSNP rs1946899169, ClinGen allele CA384415650.
Genomic context (GRCh38, chr12:40,367,014, plus strand): 5'-CAGTTTAATATATAGTTTTAACAGAAAACTTACATATTTTGTTTTTGTAAAGGAAGCCTT[A>C]AAAATGTCATGCTGGTATTGGGCTACAACCGGAAAAATACTGAAGGTACACAAAAGCAGA-3'
Protein context (NP_940980.4, residues 2457-2477): VMMTAQLGSL[Lys2467Gln]NVMLVLGYNR

ClinVar aggregate classification (germline): Uncertain significance (1 of 4 stars; one submission).

Conditions:
Inborn genetic diseases. Identifiers: MedGen C0950123, MeSH D030342.

Allele frequency attached by ClinVar (database versions not stated): gnomAD exomes below 0.00001.
gnomAD v4.1: 3 of 1,608,976 alleles (0.00019%); highest among the groups gnomAD compares: South Asian, 0.0011%; no homozygotes.

Submission:

Ambry Genetics
Classification: Uncertain significance for Inborn genetic diseases. Last evaluated: 2023-08-26. Review status: criteria provided, single submitter. Criteria: Ambry Variant Classification Scheme 2023. Collection method: clinical testing. Allele origin: germline.
Comment: The p.K2467Q variant (also known as c.7399A>C), located in coding exon 50 of the LRRK2 gene, results from an A to C substitution at nucleotide position 7399. The lysine at codon 2467 is replaced by glutamine, an amino acid with similar properties. This amino acid position is conserved. In addition, this alteration is predicted to be tolerated by in silico analysis. Since supporting evidence is limited at this time, the clinical significance of this alteration remains unclear.